The following is an entry in ClinVar:

ClinVar aggregate classification (germline): Benign. Review status: criteria provided, multiple submitters, no conflicts (2 of 4 stars). 3 submissions from 3 submitters: Benign (3). Last evaluated 2019-08-22.

Allele frequency attached by ClinVar (database versions not stated): gnomAD 0.00798 and 0.00800; ExAC 0.00645; 1000 Genomes Project 0.00899; gnomAD exomes 0.01018; ESP Exome Variant Server 0.00146; 1000 Genomes Project 30x 0.01077; TOPMed 0.01162.
gnomAD v4.1: 4,692 of 1,614,172 alleles (0.29%); highest among the groups gnomAD compares: Admixed American, 7.2%; 190 homozygotes.

Submissions (3):

GeneDx
Classification: Benign. Last evaluated: 2019-08-22. Review status: criteria provided, single submitter. Criteria: GeneDx Variant Classification Process June 2021. Collection method: clinical testing. Allele origin: germline. Affected: yes.
Comment: This variant is associated with the following publications: (PMID: 30541770)

Labcorp Genetics (formerly Invitae), Labcorp
Classification: Benign. Last evaluated: 2017-08-11. Review status: criteria provided, single submitter. Criteria: Invitae Variant Classification Sherloc (09022015). Collection method: clinical testing. Allele origin: germline.

Breakthrough Genomics
Classification: Benign. Review status: criteria provided, single submitter. Criteria: ACMG Guidelines, 2015. Collection method: not provided. Allele origin: germline. Inheritance: Unknown mechanism. Affected: yes.

NM_152888.3(COL22A1):c.2208G>T (p.Glu736Asp)

Gene: COL22A1 (collagen type XXII alpha 1 chain; minus strand). Cytogenetic location: 8q24.23.
Variant type: single nucleotide variant.
Coding change: c.2208G>T on transcript NM_152888.3 (MANE Select); coding-DNA position 2208, G replaced by T.
Protein change: p.Glu736Asp; replaces glutamic acid 736 with aspartic acid.
Molecular consequence: missense variant.
Genome position (GRCh38, 1-based): chr8:138,724,654, C>A on the plus strand (G>T on the coding strand, the complement: COL22A1 is on the minus strand). VCF-style: chr8-138724654-C-A. GRCh37 (hg19) VCF-style: chr8-139736897-C-A.
Other names: short protein forms E736D.
Identifiers: ClinVar variation 781782 (VCV000781782.6), dbSNP rs142175725, ClinGen allele CA4891466.